The following is an entry in ClinVar:

NM_001174147.2(LMX1B):c.751A>G (p.Thr251Ala)

Gene: LMX1B (LIM homeobox transcription factor 1 beta; plus strand). Cytogenetic location: 9q33.3.
Variant type: single nucleotide variant.
Coding change: c.751A>G on transcript NM_001174147.2 (MANE Select); coding-DNA position 751, A replaced by G.
Protein change: p.Thr251Ala; replaces threonine 251 with alanine.
Molecular consequence: missense variant.
Genome position (GRCh38, 1-based): chr9:126,693,533, A>G. VCF-style: chr9-126693533-A-G. GRCh37 (hg19) VCF-style: chr9-129455812-A-G.
Other names: c.751A>G, p.Thr251Ala (NM_001174146.2, NM_002316.4); short protein forms T251A.
Identifiers: ClinVar variation 3252543 (VCV003252543.1), dbSNP rs2490689056.

ClinVar aggregate classification (germline): Uncertain significance (1 of 4 stars; one submission).

Submission:

GeneDx
Classification: Uncertain significance. Last evaluated: 2023-12-08. Review status: criteria provided, single submitter. Criteria: GeneDx Variant Classification Process June 2021. Collection method: clinical testing. Allele origin: germline. Affected: yes.
Comment: Not observed at significant frequency in large population cohorts (gnomAD); In silico analysis supports that this missense variant does not alter protein structure/function; Has not been previously published as pathogenic or benign to our knowledge